The following is an entry in ClinVar:

ClinVar aggregate classification (germline): Likely benign (0 of 4 stars; one submission).

Conditions:
PLXNA4-related disorder. Also called: PLXNA4-related condition.

gnomAD v4.1: 2 of 1,614,222 alleles (0.00012%); highest among the groups gnomAD compares: East Asian, 0.0022%; no homozygotes.

Submission:

PreventionGenetics, part of Exact Sciences
Classification: Likely benign for PLXNA4-related condition. Last evaluated: 2022-03-25. Review status: no assertion criteria provided. Collection method: clinical testing. Allele origin: germline.
Comment: This variant is classified as likely benign based on ACMG/AMP sequence variant interpretation guidelines (Richards et al. 2015 PMID: 25741868, with internal and published modifications).

NM_020911.2(PLXNA4):c.4437C>A (p.Gly1479=)

Gene: PLXNA4 (plexin A4; minus strand). Cytogenetic location: 7q32.3.
Variant type: single nucleotide variant.
Coding change: c.4437C>A on transcript NM_020911.2 (MANE Select); coding-DNA position 4437, C replaced by A.
Protein change: p.Gly1479=; no amino-acid change (glycine 1479 retained).
Molecular consequence: synonymous variant.
Genome position (GRCh38, 1-based): chr7:132,164,205, G>T on the plus strand (C>A on the coding strand, the complement: PLXNA4 is on the minus strand). VCF-style: chr7-132164205-G-T. GRCh37 (hg19) VCF-style: chr7-131848964-G-T.
Other names: c.4437C>A, p.Gly1479= (NM_001393897.1).
Identifiers: ClinVar variation 3354377 (VCV003354377.1).
Genomic context (GRCh38, chr7:132,164,205, plus strand): 5'-GGTTTTGTAGTCAATCTGCTGGCGGATGAGCTTGTCCTCGCTCAAGGAGTAGCGGGCCTC[G>T]CCCGTGATGGCGTCAATGGGGCCCTTCTCCATCTGCTGCTTGATGGCACAGAACAGGGAG-3'
Protein context (NP_065962.1, residues 1469-1489): MEKGPIDAIT[Gly1479=]EARYSLSEDK